The following is an entry in ClinVar:

ClinVar aggregate classification (germline): Benign/Likely benign. Review status: criteria provided, multiple submitters, no conflicts (2 of 4 stars). 9 submissions from 9 submitters: Benign (3); Likely benign (3). 3 of the submissions do not count toward it. Last evaluated 2025-12-22.

Conditions:
Cardiovascular phenotype. Identifiers: MedGen CN230736.
ANKRD1-related disorder. Also called: ANKRD1-related condition.
Cardiomyopathy (CMYO). Also called: Cardiomyopathies. Identifiers: Orphanet 167848, MedGen C0878544, MONDO:0004994, HP:0001638. Inheritance: Various modes of inheritance.
ANKRD1-related dilated cardiomyopathy. Identifiers: MedGen CN119551.
Primary dilated cardiomyopathy (DCM). Also called: Dilated Cardiomyopathy. Identifiers: Orphanet 217604, MedGen C0007193, MeSH D002311, MONDO:0005021, HP:0001644. Inheritance: Various modes of inheritance.

Allele frequency attached by ClinVar (database versions not stated): gnomAD 0.00009; TOPMed 0.00012; gnomAD exomes 0.00014; ExAC 0.00017.
gnomAD v4.1: 178 of 1,614,032 alleles (0.011%); highest among the groups gnomAD compares: South Asian, 0.015%; 2 homozygotes.

Submissions (9):

Labcorp Genetics (formerly Invitae), Labcorp
Classification: Benign for ANKRD1-related dilated cardiomyopathy. Last evaluated: 2025-12-22. Review status: criteria provided, single submitter. Criteria: Invitae Variant Classification Sherloc (09022015). Collection method: clinical testing. Allele origin: germline.

CHEO Genetics Diagnostic Laboratory, Children's Hospital of Eastern Ontario
Classification: Benign for Cardiomyopathy. Last evaluated: 2017-12-01. Review status: criteria provided, single submitter. Criteria: ACMG Guidelines, 2015. Collection method: clinical testing. Allele origin: germline.

Illumina Laboratory Services, Illumina
Classification: Likely benign for Primary dilated cardiomyopathy. Last evaluated: 2017-09-18. Review status: criteria provided, single submitter. Criteria: ICSL Variant Classification Criteria 13 December 2019. Collection method: clinical testing. Allele origin: germline.
Comment: This variant was observed as part of a predisposition screen in an ostensibly healthy population. A literature search was performed for the gene, cDNA change, and amino acid change (where applicable). Publications were found based on this search. The evidence from the literature, in combination with allele frequency data from public databases where available, was sufficient to determine this variant is unlikely to cause disease. Therefore, this variant is classified as likely benign.

Ambry Genetics
Classification: Likely benign for Cardiovascular phenotype. Last evaluated: 2016-11-29. Review status: criteria provided, single submitter. Criteria: Ambry Variant Classification Scheme 2023. Collection method: clinical testing. Allele origin: germline.

GeneDx
Classification: Benign. Last evaluated: 2015-07-02. Review status: criteria provided, single submitter. Criteria: GeneDx Variant Classification (06012015). Collection method: clinical testing. Allele origin: germline. Affected: yes.
Comment: This variant is considered likely benign or benign based on one or more of the following criteria: it is a conservative change, it occurs at a poorly conserved position in the protein, it is predicted to be benign by multiple in silico algorithms, and/or has population frequency not consistent with disease.

Breakthrough Genomics
Classification: Likely benign. Review status: criteria provided, single submitter. Criteria: ACMG Guidelines, 2015. Collection method: not provided. Allele origin: germline. Inheritance: Unknown mechanism. Affected: yes.

PreventionGenetics, part of Exact Sciences
Classification: Likely benign for ANKRD1-related condition. Last evaluated: 2020-08-25. Review status: no assertion criteria provided. Collection method: clinical testing. Allele origin: germline. Not counted in ClinVar's aggregate classification.
Comment: This variant is classified as likely benign based on ACMG/AMP sequence variant interpretation guidelines (Richards et al. 2015 PMID: 25741868, with internal and published modifications).

Clinical Genetics DNA and cytogenetics Diagnostics Lab, Erasmus MC, Erasmus Medical Center
Classification: Likely benign. Review status: no assertion criteria provided. Collection method: clinical testing. Allele origin: germline. Affected: yes. Study: VKGL Data-share Consensus. Not counted in ClinVar's aggregate classification.

Joint Genome Diagnostic Labs from Nijmegen and Maastricht, Radboudumc and MUMC+
Classification: Likely benign. Review status: no assertion criteria provided. Collection method: clinical testing. Allele origin: germline. Affected: yes. Study: VKGL Data-share Consensus. Not counted in ClinVar's aggregate classification.

Literature cited by the submitters: PubMed 22892539 (cited by Illumina Laboratory Services, Illumina).

NM_014391.3(ANKRD1):c.108T>C (p.Ala36=)

Gene: ANKRD1 (ankyrin repeat domain 1; minus strand). Cytogenetic location: 10q23.31.
Variant type: single nucleotide variant.
Coding change: c.108T>C on transcript NM_014391.3 (MANE Select); coding-DNA position 108, T replaced by C.
Protein change: p.Ala36=; no amino-acid change (alanine 36 retained).
Molecular consequence: synonymous variant.
Genome position (GRCh38, 1-based): chr10:90,920,268, A>G on the plus strand (T>C on the coding strand, the complement: ANKRD1 is on the minus strand). VCF-style: chr10-90920268-A-G. GRCh37 (hg19) VCF-style: chr10-92680025-A-G.
Identifiers: ClinVar variation 379748 (VCV000379748.23), dbSNP rs145211719, ClinGen allele CA5598839.